The following is an entry in ClinVar:

NM_002839.4(PTPRD):c.4290A>T (p.Gly1430=)

Gene: PTPRD (protein tyrosine phosphatase receptor type D; minus strand). Cytogenetic location: 9p24.1.
Variant type: single nucleotide variant.
Coding change: c.4290A>T on transcript NM_002839.4 (MANE Select); coding-DNA position 4290, A replaced by T.
Protein change: p.Gly1430=; no amino-acid change (glycine 1430 retained).
Molecular consequence: synonymous variant.
Genome position (GRCh38, 1-based): chr9:8,389,328, T>A on the plus strand (A>T on the coding strand, the complement: PTPRD is on the minus strand). VCF-style: chr9-8389328-T-A. GRCh37 (hg19) VCF-style: chr9-8389328-T-A.
Other names: c.3060A>T, p.Gly1020= (NM_001040712.2); c.3069A>T, p.Gly1023= (NM_001171025.2, NM_130391.4); c.3081A>T, p.Gly1027= (NM_001377946.1); c.3051A>T, p.Gly1017= (NM_001377947.1); c.4350A>T, p.Gly1450= (NM_001377958.1); c.4305A>T, p.Gly1435= (NM_001378058.1); c.3072A>T, p.Gly1024= (NM_130392.3); c.3042A>T, p.Gly1014= (NM_130393.3).
Identifiers: ClinVar variation 723628 (VCV000723628.5), dbSNP rs117049052, ClinGen allele CA4983415.

ClinVar aggregate classification (germline): Likely benign. Review status: criteria provided, single submitter (1 of 4 stars). 2 submissions from 2 submitters: Likely benign (1). 1 of the submissions does not count toward it. Last evaluated 2018-07-06.

Conditions:
PTPRD-related disorder. Also called: PTPRD-related condition.

Allele frequency attached by ClinVar (database versions not stated): gnomAD 0.00052 and 0.00053; gnomAD exomes 0.00088 and 0.00039; ESP Exome Variant Server 0.00108; ExAC 0.00040; TOPMed 0.00049; 1000 Genomes Project 0.00060; 1000 Genomes Project 30x 0.00062.
gnomAD v4.1: 1,350 of 1,613,064 alleles (0.084%); highest among the groups gnomAD compares: Non-Finnish European, 0.11%; 1 homozygote.

Submissions (2):

Labcorp Genetics (formerly Invitae), Labcorp
Classification: Likely benign. Last evaluated: 2018-07-06. Review status: criteria provided, single submitter. Criteria: Invitae Variant Classification Sherloc (09022015). Collection method: clinical testing. Allele origin: germline.

PreventionGenetics, part of Exact Sciences
Classification: Likely benign for PTPRD-related condition. Last evaluated: 2019-05-03. Review status: no assertion criteria provided. Collection method: clinical testing. Allele origin: germline. Not counted in ClinVar's aggregate classification.
Comment: This variant is classified as likely benign based on ACMG/AMP sequence variant interpretation guidelines (Richards et al. 2015 PMID: 25741868, with internal and published modifications).